The following is an entry in ClinVar:

NM_177559.3(CSNK2A1):c.529G>A (p.Gly177Ser)

Gene: CSNK2A1 (casein kinase 2 alpha 1; minus strand). Cytogenetic location: 20p13.
Variant type: single nucleotide variant.
Coding change: c.529G>A on transcript NM_177559.3 (MANE Select); coding-DNA position 529, G replaced by A.
Protein change: p.Gly177Ser; replaces glycine 177 with serine.
Molecular consequence: missense variant.
Genome position (GRCh38, 1-based): chr20:492,346, C>T on the plus strand (G>A on the coding strand, the complement: CSNK2A1 is on the minus strand). VCF-style: chr20-492346-C-T. GRCh37 (hg19) VCF-style: chr20-472990-C-T.
Other names: c.529G>A, p.Gly177Ser (NM_001362770.2, NM_001362771.2, NM_001895.4); c.121G>A, p.Gly41Ser (NM_177560.3); short protein forms G177S, G41S.
Identifiers: ClinVar variation 522077 (VCV000522077.8), dbSNP rs1555762734, ClinGen allele CA407931546.
Genomic context (GRCh38, chr20:492,346, plus strand): 5'-AGTATCGGGAAGCAACTCGGACATTATATTCTTGGCCAGGATGATAAAACTCAGCCAAAC[C>T]CCAGTCTATTAGTCGTAGCTGAAAAAGAATAAACCATGAGCAATCTTATCTTTCTCTAAG-3'
Protein context (NP_808227.1, residues 167-187): EHRKLRLIDW[Gly177Ser]LAEFYHPGQE

ClinVar aggregate classification (germline): Pathogenic/Likely pathogenic. Review status: criteria provided, multiple submitters, no conflicts (2 of 4 stars). 4 submissions from 4 submitters: Pathogenic (3); Likely pathogenic (1). Last evaluated 2023-09-14.

Conditions:
Okur-Chung neurodevelopmental syndrome (OCNDS). Identifiers: Orphanet 689422, MedGen C4310739, MONDO:0014893, OMIM 617062.
Inborn genetic diseases. Identifiers: MedGen C0950123, MeSH D030342.

Submissions (4):

Greenwood Genetic Center Diagnostic Laboratories, Greenwood Genetic Center
Classification: Pathogenic for Okur-Chung neurodevelopmental syndrome. Last evaluated: 2023-09-14. Review status: criteria provided, single submitter. Criteria: ACMG Guidelines, 2015. Collection method: clinical testing. Allele origin: germline. Affected: yes.
Comment: PS2, PM1, PM2, PP2, PP3

GeneDx
Classification: Pathogenic. Last evaluated: 2022-09-22. Review status: criteria provided, single submitter. Criteria: GeneDx Variant Classification Process June 2021. Collection method: clinical testing. Allele origin: germline. Affected: yes.
Comment: In silico analysis supports that this missense variant has a deleterious effect on protein structure/function; Not observed at significant frequency in large population cohorts (gnomAD); Has not been previously published as pathogenic or benign to our knowledge

MGZ Medical Genetics Center
Classification: Pathogenic for Okur-Chung neurodevelopmental syndrome. Last evaluated: 2022-02-16. Review status: criteria provided, single submitter. Criteria: ACMG Guidelines, 2015. Collection method: clinical testing. Allele origin: germline. Affected: yes. Observed: 1 variant allele.
Comment: ACMG criteria applied: PS2, PM1, PM5, PM2_SUP, PP2, PP3

Ambry Genetics
Classification: Likely pathogenic for Inborn genetic diseases. Last evaluated: 2017-09-19. Review status: criteria provided, single submitter. Criteria: Ambry exome assertion method (8-5-2015). Collection method: clinical testing. Allele origin: germline. Affected: yes. Observed: 1 variant allele.